The following is an entry in ClinVar:

ClinVar aggregate classification (germline): Uncertain significance. Review status: criteria provided, multiple submitters, no conflicts (2 of 4 stars). 3 submissions from 3 submitters: Uncertain significance (3). Last evaluated 2022-05-12.

Conditions:
Autosomal recessive limb-girdle muscular dystrophy type 2J (LGMDR10). Also called: Limb-girdle muscular dystrophy, type 2J; MUSCULAR DYSTROPHY, LIMB-GIRDLE, AUTOSOMAL RECESSIVE 10. Identifiers: Orphanet 140922, MedGen C1837342, MONDO:0012127, OMIM 608807.
Dilated cardiomyopathy 1G (CMD1G). Identifiers: Orphanet 154, MedGen C1858763, MONDO:0011400, OMIM 604145.

Allele frequency attached by ClinVar (database versions not stated): TOPMed below 0.00001; gnomAD 0.00001 and 0.00003; gnomAD exomes 0.00002; ExAC 0.00004; 1000 Genomes Project 30x 0.00031; 1000 Genomes Project 0.00040.
gnomAD v4.1: 40 of 1,612,134 alleles (0.0025%); highest among the groups gnomAD compares: South Asian, 0.0055%; no homozygotes.

Submissions (3):

Revvity Omics, Revvity
Classification: Uncertain significance. Last evaluated: 2022-05-12. Review status: criteria provided, single submitter. Criteria: ACMG Guidelines, 2015. Collection method: clinical testing. Allele origin: germline.

Women's Health and Genetics/Laboratory Corporation of America, LabCorp
Classification: Uncertain significance. Last evaluated: 2021-04-05. Review status: criteria provided, single submitter. Criteria: LabCorp Variant Classification Summary - May 2015. Collection method: clinical testing. Allele origin: germline.
Comment: Variant summary: TTN c.46828C>T (p.Arg15610Cys) results in a non-conservative amino acid change located in the A-band domain of the encoded protein sequence. Three of five in-silico tools predict a benign effect of the variant on protein function. The variant allele was found at a frequency of 2.4e-05 in 247566 control chromosomes (gnomAD). The available data on variant occurrences in the general population are insufficient to allow any conclusion about variant significance. c.46828C>T has been reported in the literature in one individual affected with Dilated Cardiomyopathy (van Lint_2019). The report does not provide unequivocal conclusions about association of the variant with Dilated Cardiomyopathy. To our knowledge, no experimental evidence demonstrating an impact on protein function has been reported. One ClinVar submitter (evaluation after 2014) cites the variant as uncertain significance. Based on the evidence outlined above, the variant was classified as uncertain significance.

Labcorp Genetics (formerly Invitae), Labcorp
Classification: Uncertain significance for Dilated cardiomyopathy 1G; Autosomal recessive limb-girdle muscular dystrophy type 2J. Last evaluated: 2017-03-01. Review status: criteria provided, single submitter. Criteria: Invitae Variant Classification Sherloc (09022015). Collection method: clinical testing. Allele origin: germline.

Literature cited by the submitters: PubMed 30847666 (cited by Women's Health and Genetics/Laboratory Corporation of America, LabCorp).

NM_001267550.2(TTN):c.54532C>T (p.Arg18178Cys)

Genes: TTN (titin; minus strand), TTN-AS1 (TTN antisense RNA 1; plus strand). Cytogenetic location: 2q31.2.
Variant type: single nucleotide variant.
Coding change: c.54532C>T on transcript NM_001267550.2 (MANE Select); coding-DNA position 54532, C replaced by T.
Protein change: p.Arg18178Cys; replaces arginine 18178 with cysteine.
Molecular consequence: missense variant.
Genome position (GRCh38, 1-based): chr2:178,604,155, G>A on the plus strand (C>T on the coding strand, the complement: TTN is on the minus strand). VCF-style: chr2-178604155-G-A. GRCh37 (hg19) VCF-style: chr2-179468882-G-A.
Other names: c.49609C>T, p.Arg16537Cys (NM_001256850.1); c.27337C>T, p.Arg9113Cys (NM_003319.4); c.46828C>T, p.Arg15610Cys (NM_133378.4); c.27712C>T, p.Arg9238Cys (NM_133432.3); c.27913C>T, p.Arg9305Cys (NM_133437.4); short protein forms R18178C, R16537C, R9238C, R9113C, R15610C, R9305C.
Identifiers: ClinVar variation 467267 (VCV000467267.7), dbSNP rs554701601, ClinGen allele CA1993617.